The following is an entry in ClinVar:

ClinVar aggregate classification (germline): Uncertain significance (1 of 4 stars; one submission).

Allele frequency attached by ClinVar (database versions not stated): ESP Exome Variant Server 0.00008; gnomAD 0.00008; ExAC 0.00011.
gnomAD v4.1: 65 of 1,614,026 alleles (0.004%); highest among the groups gnomAD compares: African/African-American, 0.013%; no homozygotes.

Submission:

CeGaT Center for Human Genetics Tuebingen
Classification: Uncertain significance. Last evaluated: 2024-05-01. Review status: criteria provided, single submitter. Criteria: CeGaT Center For Human Genetics Tuebingen Variant Classification Criteria Version 2. Collection method: clinical testing. Allele origin: germline. Affected: yes. Observed: 1 variant allele.
Comment: SPTB: PM2

NM_001355436.2(SPTB):c.64C>T (p.Arg22Cys)

Gene: SPTB (spectrin beta, erythrocytic; minus strand). Cytogenetic location: 14q23.3.
Variant type: single nucleotide variant.
Coding change: c.64C>T on transcript NM_001355436.2 (MANE Select); coding-DNA position 64, C replaced by T.
Protein change: p.Arg22Cys; replaces arginine 22 with cysteine.
Molecular consequence: missense variant.
Genome position (GRCh38, 1-based): chr14:64,823,031, G>A on the plus strand (C>T on the coding strand, the complement: SPTB is on the minus strand). VCF-style: chr14-64823031-G-A. GRCh37 (hg19) VCF-style: chr14-65289749-G-A.
Other names: c.64C>T, p.Arg22Cys (NM_001024858.4, NM_001355437.2); short protein forms R22C.
Identifiers: ClinVar variation 3239181 (VCV003239181.19), dbSNP rs199850904.